The following is an entry in ClinVar:

ClinVar aggregate classification (germline): Pathogenic. Review status: criteria provided, multiple submitters, no conflicts (2 of 4 stars). 2 submissions from 2 submitters: Pathogenic (2). Last evaluated 2020-12-21.

Conditions:
Pheochromocytoma. Also called: MAX-Related Hereditary Paraganglioma-Pheochromocytoma Syndrome. Identifiers: Orphanet 29072, MedGen C0031511, MONDO:0008233, OMIM 171300, HP:0002666.
Gastrointestinal stromal tumor. Also called: Gastrointestinal stromal tumor, somatic; Gastrointestinal stroma tumor. Identifiers: Orphanet 44890, MedGen C0238198, MeSH D046152, MONDO:0011719, OMIM 606764, HP:0100723.
Pheochromocytoma/paraganglioma syndrome 4. Also called: CAROTID BODY TUMORS AND MULTIPLE EXTRAADRENAL PHEOCHROMOCYTOMAS; SDHB-Related Hereditary Paraganglioma-Pheochromocytoma Syndrome (Paragangliomas 4); Paragangliomas 4; SDHB-Related Hereditary Paraganglioma-Pheochromocytoma Syndrome; PARAGANGLIOMA, FAMILIAL MALIGNANT; PARAGANGLIOMAS, HEREDITARY EXTRAADRENAL. Identifiers: Orphanet 29072, MedGen C1861848, MONDO:0007273, OMIM 115310.
Hereditary cancer-predisposing syndrome. Also called: Tumor predisposition; Neoplastic Syndromes, Hereditary; Hereditary neoplastic syndrome; Hereditary Cancer Syndrome. Identifiers: Orphanet 140162, MedGen C0027672, MeSH D009386, MONDO:0015356.

Submissions (2):

Ambry Genetics
Classification: Pathogenic for Hereditary cancer-predisposing syndrome. Last evaluated: 2020-12-21. Review status: criteria provided, single submitter. Criteria: Ambry Variant Classification Scheme 2023. Collection method: clinical testing. Allele origin: germline.
Comment: The c.412delG pathogenic mutation, located in coding exon 4 of the SDHB gene, results from a deletion of one nucleotide at nucleotide position 412, causing a translational frameshift with a predicted alternate stop codon (p.D138Ifs*6). This variant was not reported in population-based cohorts in the Genome Aggregation Database (gnomAD). This alteration is expected to result in loss of function by premature protein truncation or nonsense-mediated mRNA decay. As such, this alteration is interpreted as a disease-causing mutation.

Labcorp Genetics (formerly Invitae), Labcorp
Classification: Pathogenic for Gastrointestinal stromal tumor; Pheochromocytoma/paraganglioma syndrome 4; Pheochromocytoma. Last evaluated: 2020-07-08. Review status: criteria provided, single submitter. Criteria: Invitae Variant Classification Sherloc (09022015). Collection method: clinical testing. Allele origin: germline.
Comment: Loss-of-function variants in SDHB are known to be pathogenic (PMID: 19454582, 19802898). For these reasons, this variant has been classified as Pathogenic. This sequence change creates a premature translational stop signal (p.Asp138Ilefs*6) in the SDHB gene. It is expected to result in an absent or disrupted protein product. This variant is not present in population databases (ExAC no frequency). This variant has been observed in individual(s) with pheochromocytoma (PMID: 22517554). This variant is also known as c.411del in the literature. Algorithms developed to predict the effect of sequence changes on RNA splicing suggest that this variant may create or strengthen a splice site, but this prediction has not been confirmed by published transcriptional studies.

Literature cited by the submitters: PubMed 19454582 (cited by Labcorp Genetics (formerly Invitae), Labcorp); PubMed 19802898 (cited by Labcorp Genetics (formerly Invitae), Labcorp); PubMed 22517554 (cited by Labcorp Genetics (formerly Invitae), Labcorp).

NM_003000.3(SDHB):c.412del (p.Asp138fs)

Gene: SDHB (succinate dehydrogenase complex iron sulfur subunit B; minus strand). Cytogenetic location: 1p36.13.
Variant type: Deletion.
Coding change: c.412del on transcript NM_003000.3 (MANE Select); coding-DNA position 412, one base deleted (G; older notation c.412delG).
Protein change: p.Asp138fs; shifts the reading frame from aspartic acid 138.
Molecular consequence: frameshift variant.
Genome position (GRCh38, 1-based): chr1:17,028,611, C deleted on the plus strand (G on the coding strand, the reverse complement: SDHB is on the minus strand); the first of 2 consecutive C bases (chr1:17,028,611-17,028,612); deleting either gives the same sequence. VCF-style (leftmost placement, unchanged base first): chr1-17028610-TC-T. GRCh37 (hg19) VCF-style: chr1-17355105-TC-T.
Other names: short protein forms D138fs.
Identifiers: ClinVar variation 1069440 (VCV001069440.7), dbSNP rs2101522958, ClinGen allele CA2499214308.